The following is an entry in ClinVar:

NM_005236.3(ERCC4):c.2219G>A (p.Arg740His)

Gene: ERCC4 (ERCC excision repair 4, endonuclease catalytic subunit; plus strand). Cytogenetic location: 16p13.12.
Variant type: single nucleotide variant.
Coding change: c.2219G>A on transcript NM_005236.3 (MANE Select); coding-DNA position 2219, G replaced by A.
Protein change: p.Arg740His; replaces arginine 740 with histidine.
Molecular consequence: missense variant.
Genome position (GRCh38, 1-based): chr16:13,947,815, G>A. VCF-style: chr16-13947815-G-A. GRCh37 (hg19) VCF-style: chr16-14041672-G-A.
Other names: short protein forms R740H.
Identifiers: ClinVar variation 813583 (VCV000813583.5), dbSNP rs758565772, ClinGen allele CA7910706.
Genomic context (GRCh38, chr16:13,947,815, plus strand): 5'-CAGAAATGTGCGTGGAGCGCAAGAGTATCAGTGATTTAATCGGCTCTTTAAATAACGGCC[G>A]CCTCTACAGCCAGTGCATCTCCATGTCCCGCTACTACAAGCGTCCCGTGCTTCTGATTGA-3'
Protein context (NP_005227.1, residues 730-750): SDLIGSLNNG[Arg740His]LYSQCISMSR

ClinVar aggregate classification (germline): Uncertain significance. Review status: criteria provided, multiple submitters, no conflicts (2 of 4 stars). 3 submissions from 3 submitters: Uncertain significance (2). 1 of the submissions does not count toward it. Last evaluated 2024-10-09.

Conditions:
Microcephaly. Also called: Microcephaly (disease). Identifiers: MedGen C4551563, MONDO:0001149, HP:0000252.
Cockayne syndrome. Identifiers: Orphanet 191, MedGen C0009207, MONDO:0016006.
Fanconi anemia complementation group Q. Identifiers: Orphanet 84, MedGen C3808988, MONDO:0014108, OMIM 615272.
Xeroderma pigmentosum, group F (XPF). Also called: ERCC4-Related Xeroderma Pigmentosum; XERODERMA PIGMENTOSUM VI; XP, GROUP F; XERODERMA PIGMENTOSUM, COMPLEMENTATION GROUP F; XERODERMA PIGMENTOSUM, TYPE F; Xeroderma pigmentosum, type 6. Identifiers: MedGen C0268140, MONDO:0010215, OMIM 278760.

Allele frequency attached by ClinVar (database versions not stated): ExAC 0.00007; gnomAD exomes 0.00001 and 0.00003; gnomAD 0.00003 and 0.00004; TOPMed 0.00003.
gnomAD v4.1: 26 of 1,614,052 alleles (0.0016%); highest among the groups gnomAD compares: African/African-American, 0.0053%; no homozygotes.

Submissions (3):

Blueprint Genetics
Classification: Uncertain significance. Last evaluated: 2024-10-09. Review status: criteria provided, single submitter. Criteria: ACMG Guidelines, 2015. Collection method: clinical testing. Allele origin: germline.

Labcorp Genetics (formerly Invitae), Labcorp
Classification: Uncertain significance for Fanconi anemia complementation group Q; Xeroderma pigmentosum, group F; Cockayne syndrome. Last evaluated: 2023-01-12. Review status: criteria provided, single submitter. Criteria: Invitae Variant Classification Sherloc (09022015). Collection method: clinical testing. Allele origin: germline.
Comment: In summary, the available evidence is currently insufficient to determine the role of this variant in disease. Therefore, it has been classified as a Variant of Uncertain Significance. Advanced modeling of protein sequence and biophysical properties (such as structural, functional, and spatial information, amino acid conservation, physicochemical variation, residue mobility, and thermodynamic stability) performed at Invitae indicates that this missense variant is expected to disrupt ERCC4 protein function. ClinVar contains an entry for this variant (Variation ID: 813583). This missense change has been observed in individual(s) with pancreatic cancer (PMID: 28767289). This variant is present in population databases (rs758565772, gnomAD 0.02%). This sequence change replaces arginine, which is basic and polar, with histidine, which is basic and polar, at codon 740 of the ERCC4 protein (p.Arg740His).

Department of Pediatrics, Samsung Medical Center, Samsung Medical Center
Classification: Uncertain significance for Microcephaly. Review status: no assertion criteria provided. Criteria: ACMG Guidelines, 2015. Collection method: research. Allele origin: germline. Affected: yes. Not counted in ClinVar's aggregate classification.

Literature cited by the submitters: PubMed 28767289 (cited by Labcorp Genetics (formerly Invitae), Labcorp).